The following is an entry in ClinVar:

NM_004385.5(VCAN):c.4081A>G (p.Thr1361Ala)

Genes: VCAN (versican; plus strand), VCAN-AS1 (VCAN antisense RNA 1; minus strand). Cytogenetic location: 5q14.3.
Variant type: single nucleotide variant.
Coding change: c.4081A>G on transcript NM_004385.5 (MANE Select); coding-DNA position 4081, A replaced by G.
Protein change: p.Thr1361Ala; replaces threonine 1361 with alanine.
Molecular consequence: missense variant. On other transcripts: intron variant (2).
Genome position (GRCh38, 1-based): chr5:83,537,084, A>G. VCF-style: chr5-83537084-A-G. GRCh37 (hg19) VCF-style: chr5-82832903-A-G.
Other names: c.1120A>G, p.Thr374Ala (NM_001164097.2); c.4004-8453A>G (NM_001164098.2); c.1043-8453A>G (NM_001126336.3); short protein forms T1361A, T374A.
Identifiers: ClinVar variation 1962498 (VCV001962498.5), dbSNP rs749068426, ClinGen allele CA3333122.

ClinVar aggregate classification (germline): Uncertain significance (1 of 4 stars; one submission).

Allele frequency attached by ClinVar (database versions not stated): gnomAD exomes below 0.00001; ExAC 0.00001.
gnomAD v4.1: 3 of 1,613,718 alleles (0.00019%); highest among the groups gnomAD compares: Middle Eastern, 0.016%; no homozygotes.

Submission:

Labcorp Genetics (formerly Invitae), Labcorp
Classification: Uncertain significance. Last evaluated: 2023-06-18. Review status: criteria provided, single submitter. Criteria: Invitae Variant Classification Sherloc (09022015). Collection method: clinical testing. Allele origin: germline.
Comment: In summary, the available evidence is currently insufficient to determine the role of this variant in disease. Therefore, it has been classified as a Variant of Uncertain Significance. An algorithm developed to predict the effect of missense changes on protein structure and function (PolyPhen-2) suggests that this variant is likely to be disruptive. ClinVar contains an entry for this variant (Variation ID: 1962498). This variant has not been reported in the literature in individuals affected with VCAN-related conditions. This variant is present in population databases (rs749068426, gnomAD 0.0009%). This sequence change replaces threonine, which is neutral and polar, with alanine, which is neutral and non-polar, at codon 1361 of the VCAN protein (p.Thr1361Ala).